The following is an entry in ClinVar:

NM_002234.4(KCNA5):c.206C>T (p.Pro69Leu)

Gene: KCNA5 (potassium voltage-gated channel subfamily A member 5; plus strand). Cytogenetic location: 12p13.32.
Variant type: single nucleotide variant.
Coding change: c.206C>T on transcript NM_002234.4 (MANE Select); coding-DNA position 206, C replaced by T.
Protein change: p.Pro69Leu; replaces proline 69 with leucine.
Molecular consequence: missense variant.
Genome position (GRCh38, 1-based): chr12:5,044,353, C>T. VCF-style: chr12-5044353-C-T. GRCh37 (hg19) VCF-style: chr12-5153519-C-T.
Other names: short protein forms P69L.
Identifiers: ClinVar variation 2154856 (VCV002154856.4), dbSNP rs754050639, ClinGen allele CA6399564.

ClinVar aggregate classification (germline): Uncertain significance (1 of 4 stars; one submission).

Conditions:
Atrial fibrillation, familial, 7 (ATFB7). Identifiers: MedGen C2677106, MONDO:0012828, OMIM 612240.

Allele frequency attached by ClinVar (database versions not stated): ExAC 0.00006.
gnomAD v4.1: 2 of 1,546,690 alleles (0.00013%); highest among the groups gnomAD compares: Admixed American, 0.0038%; no homozygotes.

Submission:

Labcorp Genetics (formerly Invitae), Labcorp
Classification: Uncertain significance for Atrial fibrillation, familial, 7. Last evaluated: 2022-03-20. Review status: criteria provided, single submitter. Criteria: Invitae Variant Classification Sherloc (09022015). Collection method: clinical testing. Allele origin: germline.
Comment: In summary, the available evidence is currently insufficient to determine the role of this variant in disease. Therefore, it has been classified as a Variant of Uncertain Significance. Algorithms developed to predict the effect of missense changes on protein structure and function are either unavailable or do not agree on the potential impact of this missense change (SIFT: "Deleterious"; PolyPhen-2: "Not Available"; Align-GVGD: "Class C0"). This variant has not been reported in the literature in individuals affected with KCNA5-related conditions. The frequency data for this variant in the population databases is considered unreliable, as metrics indicate poor data quality at this position in the gnomAD database. This sequence change replaces proline, which is neutral and non-polar, with leucine, which is neutral and non-polar, at codon 69 of the KCNA5 protein (p.Pro69Leu).